The following is an entry in ClinVar:

ClinVar aggregate classification (germline): Pathogenic (1 of 4 stars; one submission).

Conditions:
Familial cancer of breast. Also called: BREAST CANCER, FAMILIAL; Hereditary breast cancer; hereditary breast carcinoma. Identifiers: Orphanet 227535, MedGen C0346153, MONDO:0016419, OMIM 114480. Disease mechanism: loss of function.

Submission:

Myriad Genetics, Inc.
Classification: Pathogenic for Familial cancer of breast. Last evaluated: 2024-04-26. Review status: criteria provided, single submitter. Criteria: Myriad Autosomal Dominant, Autosomal Recessive and X-Linked Classification Criteria (2023). Collection method: clinical testing. Allele origin: unknown.
Comment: This variant is considered pathogenic. This variant creates a frameshift predicted to result in premature protein truncation.

NM_024675.4(PALB2):c.1145_1146insGTTG (p.Ser382fs)

Gene: PALB2 (partner and localizer of BRCA2; minus strand). Cytogenetic location: 16p12.2.
Variant type: Insertion.
Coding change: c.1145_1146insGTTG on transcript NM_024675.4 (MANE Select); coding-DNA positions 1145 to 1146, GTTG inserted.
Protein change: p.Ser382fs; shifts the reading frame from serine 382.
Molecular consequence: frameshift variant. On other transcripts: intron variant (3).
Genome position: GRCh38 VCF-style: chr16-23635400-G-GCAAC. GRCh37 (hg19) VCF-style: chr16-23646721-G-GCAAC.
Other names: c.1085_1086insGTTG, p.Ser362fs (NM_001407296.1); c.1145_1146insGTTG, p.Ser382fs (NM_001407297.1, NM_001407298.1, NM_001407299.1 and 3 more transcripts); c.260_261insGTTG, p.Ser87fs (NM_001407304.1, NM_001407305.1, NM_001407306.1 and 5 more transcripts); c.48+5709_48+5710insGGTT (NM_001407314.1); c.-104-4932_-104-4931insGGTT (NM_001407313.1, NM_001407312.1); short protein forms S362fs, S382fs, S87fs.
Identifiers: ClinVar variation 3254376 (VCV003254376.1), dbSNP rs2506487423.